The following is an entry in ClinVar:

NM_001355276.2(CENPVL3):c.273T>C (p.Pro91=)

Gene: CENPVL3 (centromere protein V like 3; minus strand). Cytogenetic location: Xp11.22.
Variant type: single nucleotide variant.
Coding change: c.273T>C on transcript NM_001355276.2 (MANE Select); coding-DNA position 273, T replaced by C.
Protein change: p.Pro91=; no amino-acid change (proline 91 retained).
Molecular consequence: synonymous variant.
Genome position (GRCh38, 1-based): chrX:51,618,601, A>G on the plus strand (T>C on the coding strand, the complement: CENPVL3 is on the minus strand). VCF-style: chrX-51618601-A-G. GRCh37 (hg19) VCF-style: chrX-51361453-A-G.
Identifiers: ClinVar variation 3389059 (VCV003389059.14).

ClinVar aggregate classification (germline): Likely benign (1 of 4 stars; one submission).

gnomAD v4.1: 19 of 296,686 alleles (0.0064%); highest among the groups gnomAD compares: Middle Eastern, 0.086%; no homozygotes.

Submission:

CeGaT Center for Human Genetics Tuebingen
Classification: Likely benign. Last evaluated: 2024-09-01. Review status: criteria provided, single submitter. Criteria: CeGaT Center For Human Genetics Tuebingen Variant Classification Criteria Version 2. Collection method: clinical testing. Allele origin: germline. Affected: yes. Observed: 1 variant allele.
Comment: CENPVL3: BP4, BP7, BS2